The following is an entry in ClinVar:

NM_001330574.2(ZNF711):c.1577A>G (p.Tyr526Cys)

Gene: ZNF711 (ZFX family zinc finger ZNF711; plus strand). Cytogenetic location: Xq21.1.
Variant type: single nucleotide variant.
Coding change: c.1577A>G on transcript NM_001330574.2 (MANE Select); coding-DNA position 1577, A replaced by G.
Protein change: p.Tyr526Cys; replaces tyrosine 526 with cysteine.
Molecular consequence: missense variant.
Genome position (GRCh38, 1-based): chrX:85,270,981, A>G. VCF-style: chrX-85270981-A-G. GRCh37 (hg19) VCF-style: chrX-84525987-A-G.
Other names: c.1577A>G, p.Tyr526Cys (NM_001375431.1, NM_001375432.1, NM_001375433.1); c.1439A>G, p.Tyr480Cys (NM_001375434.1, NM_001375435.1, NM_001375436.1 and 2 more transcripts); short protein forms Y480C, Y526C.
Identifiers: ClinVar variation 4282392 (VCV004282392.2).

ClinVar aggregate classification (germline): Uncertain significance (1 of 4 stars; one submission).

Submission:

GeneDx
Classification: Uncertain significance. Last evaluated: 2025-11-05. Review status: criteria provided, single submitter. Criteria: GeneDx Variant Classification Process June 2021. Collection method: clinical testing. Allele origin: germline.
Comment: Not observed at significant frequency in large population cohorts (gnomAD); In silico analysis supports that this missense variant has a deleterious effect on protein structure/function; This variant is associated with the following publications: (PMID: 35982159)